The following is an entry in ClinVar:

NM_032608.7(MYO18B):c.85C>T (p.Leu29Phe)

Gene: MYO18B (myosin XVIIIB; plus strand). Cytogenetic location: 22q12.1.
Variant type: single nucleotide variant.
Coding change: c.85C>T on transcript NM_032608.7 (MANE Select); coding-DNA position 85, C replaced by T.
Protein change: p.Leu29Phe; replaces leucine 29 with phenylalanine.
Molecular consequence: missense variant.
Genome position (GRCh38, 1-based): chr22:25,763,276, C>T. VCF-style: chr22-25763276-C-T. GRCh37 (hg19) VCF-style: chr22-26159243-C-T.
Other names: c.85C>T, p.Leu29Phe (NM_001318245.2); short protein forms L29F.
Identifiers: ClinVar variation 2075844 (VCV002075844.3), dbSNP rs764193013, ClinGen allele CA322776105.

ClinVar aggregate classification (germline): Uncertain significance (1 of 4 stars; one submission).

Submission:

Labcorp Genetics (formerly Invitae), Labcorp
Classification: Uncertain significance. Last evaluated: 2022-06-12. Review status: criteria provided, single submitter. Criteria: Invitae Variant Classification Sherloc (09022015). Collection method: clinical testing. Allele origin: germline.
Comment: In summary, the available evidence is currently insufficient to determine the role of this variant in disease. Therefore, it has been classified as a Variant of Uncertain Significance. Algorithms developed to predict the effect of missense changes on protein structure and function are either unavailable or do not agree on the potential impact of this missense change (SIFT: "Not Available"; PolyPhen-2: "Probably Damaging"; Align-GVGD: "Not Available"). This variant has not been reported in the literature in individuals affected with MYO18B-related conditions. This variant is not present in population databases (gnomAD no frequency). This sequence change replaces leucine, which is neutral and non-polar, with phenylalanine, which is neutral and non-polar, at codon 29 of the MYO18B protein (p.Leu29Phe).